The following is an entry in ClinVar:

ClinVar aggregate classification (germline): Uncertain significance (1 of 4 stars; one submission).

Submission:

GeneDx
Classification: Uncertain significance. Last evaluated: 2023-01-17. Review status: criteria provided, single submitter. Criteria: GeneDx Variant Classification Process June 2021. Collection method: clinical testing. Allele origin: germline. Affected: yes.
Comment: In silico analysis supports that this missense variant has a deleterious effect on protein structure/function; Has not been previously published as pathogenic or benign to our knowledge

NM_004667.6(HERC2):c.2455T>C (p.Trp819Arg)

Gene: HERC2 (HECT and RLD domain containing E3 ubiquitin protein ligase 2; minus strand). Cytogenetic location: 15q13.1.
Variant type: single nucleotide variant.
Coding change: c.2455T>C on transcript NM_004667.6 (MANE Select); coding-DNA position 2455, T replaced by C.
Protein change: p.Trp819Arg; replaces tryptophan 819 with arginine.
Molecular consequence: missense variant.
Genome position (GRCh38, 1-based): chr15:28,257,123, A>G on the plus strand (T>C on the coding strand, the complement: HERC2 is on the minus strand). VCF-style: chr15-28257123-A-G. GRCh37 (hg19) VCF-style: chr15-28502269-A-G.
Other names: short protein forms W819R.
Identifiers: ClinVar variation 2572721 (VCV002572721.1), dbSNP rs774879204, ClinGen allele CA7443205.